The following is an entry in ClinVar:

NM_004526.4(MCM2):c.231G>A (p.Met77Ile)

Gene: MCM2 (minichromosome maintenance complex component 2; plus strand). Cytogenetic location: 3q21.3.
Variant type: single nucleotide variant.
Coding change: c.231G>A on transcript NM_004526.4 (MANE Select); coding-DNA position 231, G replaced by A.
Protein change: p.Met77Ile; replaces methionine 77 with isoleucine.
Molecular consequence: missense variant. On other transcripts: non-coding transcript variant (1).
Genome position (GRCh38, 1-based): chr3:127,599,542, G>A. VCF-style: chr3-127599542-G-A. GRCh37 (hg19) VCF-style: chr3-127318385-G-A.
Other names: short protein forms M77I.
Identifiers: ClinVar variation 1440117 (VCV001440117.8), dbSNP rs749119167, ClinGen allele CA2595498.

ClinVar aggregate classification (germline): Uncertain significance (1 of 4 stars; one submission).

Allele frequency attached by ClinVar (database versions not stated): ExAC 0.00001; gnomAD 0.00001; gnomAD exomes 0.00001 and 0.00003; TOPMed 0.00003.

Submission:

Labcorp Genetics (formerly Invitae), Labcorp
Classification: Uncertain significance. Last evaluated: 2023-02-14. Review status: criteria provided, single submitter. Criteria: Invitae Variant Classification Sherloc (09022015). Collection method: clinical testing. Allele origin: germline.
Comment: This sequence change replaces methionine, which is neutral and non-polar, with isoleucine, which is neutral and non-polar, at codon 77 of the MCM2 protein (p.Met77Ile). This variant is present in population databases (rs749119167, gnomAD 0.02%). This variant has not been reported in the literature in individuals affected with MCM2-related conditions. ClinVar contains an entry for this variant (Variation ID: 1440117). An algorithm developed to predict the effect of missense changes on protein structure and function (PolyPhen-2) suggests that this variant is likely to be tolerated. In summary, the available evidence is currently insufficient to determine the role of this variant in disease. Therefore, it has been classified as a Variant of Uncertain Significance.